The following is an entry in ClinVar:

NM_004960.4(FUS):c.13+11_13+13del

Gene: FUS (FUS RNA binding protein; plus strand). Cytogenetic location: 16p11.2.
Variant type: Deletion.
Coding change: c.13+11_13+13del on transcript NM_004960.4 (MANE Select); bases 11 to 13 of the intron after coding-DNA position 13, 3 bases deleted (GCG; older notation c.13+11_13+13delGCG).
Molecular consequence: intron variant.
Genome position (GRCh38, 1-based): chr16:31,180,238-31,180,240, GCG deleted; deleting any 3 consecutive bases within chr16:31,180,237-31,180,240 gives the same sequence; the c. name uses the placement nearest the transcript's 3' end. VCF-style (leftmost placement, unchanged base first): chr16-31180236-GGGC-G. GRCh37 (hg19) VCF-style: chr16-31191557-GGGC-G.
Other names: c.13+11_13+13del (NM_001170937.1, NM_001170634.1); c.13+10_13+12delGGC (NM_004960.3).
Identifiers: ClinVar variation 374092 (VCV000374092.4), dbSNP rs1057518893, ClinGen allele CA16043512.

ClinVar aggregate classification (germline): Uncertain significance. Review status: criteria provided, single submitter (1 of 4 stars). 2 submissions from 1 submitter: Uncertain significance (2). Last evaluated 2018-10-19.

Conditions:
Amyotrophic lateral sclerosis type 6. Also called: FUS-Related Amyotrophic Laterial Sclerosis; Amyotrophic lateral sclerosis 6, with or without frontotemporal dementia; AMYOTROPHIC LATERAL SCLEROSIS 6 WITHOUT FRONTOTEMPORAL DEMENTIA. Identifiers: Orphanet 275872, Orphanet 803, MedGen C2931786, MONDO:0011951, OMIM 608030.
Dystonic disorder. Also called: Dystonia. Identifiers: MedGen C0013421, MONDO:0003441, HP:0001332.
Myoclonus. Also called: Involuntary jerking movements; Myoclonic jerks. Identifiers: MedGen C0027066, HP:0001336.

Submissions (2):

Centre for Mendelian Genomics, University Medical Centre Ljubljana
Classification: Uncertain significance for Amyotrophic lateral sclerosis type 6. Last evaluated: 2018-10-19. Review status: criteria provided, single submitter. Criteria: ACMG Guidelines, 2015. Collection method: clinical testing. Allele origin: unknown. Affected: yes.
Comment: This variant was classified as: Uncertain significance. The available evidence on this variant's pathogenicity is insufficient or conflicting. The following ACMG criteria were applied in classifying this variant: PM2,PP3,BS2.

Centre for Mendelian Genomics, University Medical Centre Ljubljana
Classification: Uncertain significance for Dystonic disorder; Myoclonus. Last evaluated: 2015-08-07. Review status: criteria provided, single submitter. Criteria: ACMG Guidelines, 2015. Collection method: clinical testing. Allele origin: unknown. Affected: yes.